The following is an entry in ClinVar:

NM_001376.5(DYNC1H1):c.2974G>A (p.Val992Ile)

Gene: DYNC1H1 (dynein cytoplasmic 1 heavy chain 1; plus strand). Cytogenetic location: 14q32.31.
Variant type: single nucleotide variant.
Coding change: c.2974G>A on transcript NM_001376.5 (MANE Select); coding-DNA position 2974, G replaced by A.
Protein change: p.Val992Ile; replaces valine 992 with isoleucine.
Molecular consequence: missense variant.
Genome position (GRCh38, 1-based): chr14:101,991,632, G>A. VCF-style: chr14-101991632-G-A. GRCh37 (hg19) VCF-style: chr14-102457969-G-A.
Other names: short protein forms V992I.
Identifiers: ClinVar variation 1716157 (VCV001716157.5), dbSNP rs2503708390, ClinGen allele CA391030627.
Genomic context (GRCh38, chr14:101,991,632, plus strand): 5'-AATCCACCAATTGAAGAGTGCAGATACAAGCTGTATCAGGAAATGTTTGCCTGGAAGATG[G>A]TTGTACTGTCTCTCCCCAGGATCCAGAGTCAGAGGTACCAGGTAAGCCTTTGGTGACTCG-3'
Protein context (NP_001367.2, residues 982-1002): LYQEMFAWKM[Val992Ile]VLSLPRIQSQ

ClinVar aggregate classification (germline): Uncertain significance (1 of 4 stars; one submission).

Conditions:
Charcot-Marie-Tooth disease axonal type 2O. Also called: Charcot-Marie-Tooth disease, axonal, type 20; CHARCOT-MARIE-TOOTH NEUROPATHY, AXONAL, TYPE 2O; CHARCOT-MARIE-TOOTH DISEASE, AXONAL, AUTOSOMAL DOMINANT, TYPE 2O; Charcot-Marie-Tooth Neuropathy Type 2O. Identifiers: Orphanet 284232, MedGen C3280220, MONDO:0013644, OMIM 614228.

Submission:

Labcorp Genetics (formerly Invitae), Labcorp
Classification: Uncertain significance for Charcot-Marie-Tooth disease axonal type 2O. Last evaluated: 2022-08-12. Review status: criteria provided, single submitter. Criteria: Invitae Variant Classification Sherloc (09022015). Collection method: clinical testing. Allele origin: germline.
Comment: In summary, the available evidence is currently insufficient to determine the role of this variant in disease. Therefore, it has been classified as a Variant of Uncertain Significance. Advanced modeling of protein sequence and biophysical properties (such as structural, functional, and spatial information, amino acid conservation, physicochemical variation, residue mobility, and thermodynamic stability) performed at Invitae indicates that this missense variant is not expected to disrupt DYNC1H1 protein function. This variant has not been reported in the literature in individuals affected with DYNC1H1-related conditions. This variant is not present in population databases (gnomAD no frequency). This sequence change replaces valine, which is neutral and non-polar, with isoleucine, which is neutral and non-polar, at codon 992 of the DYNC1H1 protein (p.Val992Ile).